The following is an entry in ClinVar:

ClinVar aggregate classification (germline): Uncertain significance (1 of 4 stars; one submission).

gnomAD v4.1: 3 of 1,209,087 alleles (0.00025%); highest among the groups gnomAD compares: Non-Finnish European, 0.00034%; no homozygotes.

Submission:

Labcorp Genetics (formerly Invitae), Labcorp
Classification: Uncertain significance. Last evaluated: 2024-05-09. Review status: criteria provided, single submitter. Criteria: Invitae Variant Classification Sherloc (09022015). Collection method: clinical testing. Allele origin: germline.
Comment: This sequence change replaces methionine, which is neutral and non-polar, with threonine, which is neutral and polar, at codon 717 of the CACNA1F protein (p.Met717Thr). This variant is not present in population databases (gnomAD no frequency). This variant has not been reported in the literature in individuals affected with CACNA1F-related conditions. Advanced modeling of protein sequence and biophysical properties (such as structural, functional, and spatial information, amino acid conservation, physicochemical variation, residue mobility, and thermodynamic stability) performed at Invitae indicates that this missense variant is expected to disrupt CACNA1F protein function with a positive predictive value of 80%. In summary, the available evidence is currently insufficient to determine the role of this variant in disease. Therefore, it has been classified as a Variant of Uncertain Significance.

NM_001256789.3(CACNA1F):c.2117T>C (p.Met706Thr)

Gene: CACNA1F (calcium voltage-gated channel subunit alpha1 F; minus strand). Cytogenetic location: Xp11.23.
Variant type: single nucleotide variant.
Coding change: c.2117T>C on transcript NM_001256789.3 (MANE Select); coding-DNA position 2117, T replaced by C.
Protein change: p.Met706Thr; replaces methionine 706 with threonine.
Molecular consequence: missense variant.
Genome position (GRCh38, 1-based): chrX:49,222,807, A>G on the plus strand (T>C on the coding strand, the complement: CACNA1F is on the minus strand). VCF-style: chrX-49222807-A-G. GRCh37 (hg19) VCF-style: chrX-49079266-A-G.
Other names: c.1955T>C, p.Met652Thr (NM_001256790.3); c.2150T>C, p.Met717Thr (NM_005183.4); short protein forms M652T, M706T, M717T.
Identifiers: ClinVar variation 3651655 (VCV003651655.2).
Genomic context (GRCh38, chrX:49,222,807, plus strand): 5'-TAGATGCACACCAACATTCCTGGGAAGAAGGGGCCACCATATGCCATGATACCATCATAC[A>G]TGACCACGTTCCAGTCCTCACCTGTCAGGATCTGGGGGTGGGAAGTCACTGTGGAGCTCT-3'
Protein context (NP_001243718.1, residues 696-716): ILTGEDWNVV[Met706Thr]YDGIMAYGGP